The following is an entry in ClinVar:

ClinVar aggregate classification (germline): Benign/Likely benign. Review status: criteria provided, multiple submitters, no conflicts (2 of 4 stars). 5 submissions from 5 submitters: Benign (1); Likely benign (4). Last evaluated 2025-06-23.

Conditions:
Hereditary cancer-predisposing syndrome. Also called: Neoplastic Syndromes, Hereditary; Tumor predisposition; Hereditary Cancer Syndrome; Hereditary neoplastic syndrome. Identifiers: Orphanet 140162, MedGen C0027672, MeSH D009386, MONDO:0015356.
Tuberous sclerosis 2 (TSC2). Identifiers: Orphanet 805, MedGen C1860707, MONDO:0013199, OMIM 613254.
TSC2-related disorder. Also called: TSC2-Related Disorders; TSC2-related condition.
Tuberous sclerosis syndrome (TSC). Also called: Tuberous Sclerosis Complex; Tuberous sclerosis. Identifiers: Orphanet 805, MedGen C0041341, MONDO:0001734.

Allele frequency attached by ClinVar (database versions not stated): TOPMed below 0.00001; ExAC 0.00001.
gnomAD v4.1: 5 of 1,614,086 alleles (0.00031%); highest among the groups gnomAD compares: South Asian, 0.0044%; no homozygotes.

Submissions (5):

Color Diagnostics, LLC DBA Color Health
Classification: Likely benign for Tuberous sclerosis syndrome. Last evaluated: 2025-06-23. Review status: criteria provided, single submitter. Criteria: ACMG Guidelines, 2015. Collection method: clinical testing. Allele origin: germline.

Myriad Genetics, Inc.
Classification: Benign for Tuberous sclerosis 2. Last evaluated: 2025-05-08. Review status: criteria provided, single submitter. Criteria: Myriad Autosomal Dominant, Autosomal Recessive and X-Linked Classification Criteria (2023). Collection method: clinical testing. Allele origin: unknown.
Comment: This variant is considered benign. This variant is a silent/synonymous amino acid change and it is not expected to impact splicing.

PreventionGenetics, part of Exact Sciences
Classification: Likely benign for TSC2-related condition. Last evaluated: 2025-01-07. Review status: criteria provided, single submitter. Criteria: ACMG Guidelines, 2015. Collection method: clinical testing. Allele origin: germline.
Comment: This variant is classified as likely benign based on ACMG/AMP sequence variant interpretation guidelines (Richards et al. 2015 PMID: 25741868, with internal and published modifications).

Labcorp Genetics (formerly Invitae), Labcorp
Classification: Likely benign for Tuberous sclerosis 2. Last evaluated: 2024-08-13. Review status: criteria provided, single submitter. Criteria: Invitae Variant Classification Sherloc (09022015). Collection method: clinical testing. Allele origin: germline.

Ambry Genetics
Classification: Likely benign for Hereditary cancer-predisposing syndrome. Last evaluated: 2023-04-13. Review status: criteria provided, single submitter. Criteria: Ambry Variant Classification Scheme 2023. Collection method: clinical testing. Allele origin: germline.

NM_000548.5(TSC2):c.633C>T (p.Ser211=)

Gene: TSC2 (TSC complex subunit 2; plus strand). Cytogenetic location: 16p13.3.
Variant type: single nucleotide variant.
Coding change: c.633C>T on transcript NM_000548.5 (MANE Select); coding-DNA position 633, C replaced by T.
Protein change: p.Ser211=; no amino-acid change (serine 211 retained).
Molecular consequence: synonymous variant.
Genome position (GRCh38, 1-based): chr16:2,056,229, C>T. VCF-style: chr16-2056229-C-T. GRCh37 (hg19) VCF-style: chr16-2106230-C-T.
Other names: c.633C>T, p.Ser211= (NM_001077183.3, NM_001114382.3, NM_001363528.2 and 3 more transcripts); c.522C>T, p.Ser174= (NM_001318827.2); c.486C>T, p.Ser162= (NM_001318829.2); c.33C>T, p.Ser11= (NM_001318831.2); c.666C>T, p.Ser222= (NM_001318832.2); c.633C>T (NM_000548.4).
Identifiers: ClinVar variation 724810 (VCV000724810.14), dbSNP rs762659998, ClinGen allele CA055858.